The following is an entry in ClinVar:

NM_005996.4(TBX3):c.1614C>T (p.Ser538=)

Gene: TBX3 (T-box transcription factor 3; minus strand). Cytogenetic location: 12q24.21.
Variant type: single nucleotide variant.
Coding change: c.1614C>T on transcript NM_005996.4 (MANE Select); coding-DNA position 1614, C replaced by T.
Protein change: p.Ser538=; no amino-acid change (serine 538 retained).
Molecular consequence: synonymous variant.
Genome position (GRCh38, 1-based): chr12:114,674,261, G>A on the plus strand (C>T on the coding strand, the complement: TBX3 is on the minus strand). VCF-style: chr12-114674261-G-A. GRCh37 (hg19) VCF-style: chr12-115112066-G-A.
Other names: c.1674C>T (NM_016569.3); c.1674C>T, p.Ser558= (NM_016569.4).
Identifiers: ClinVar variation 2730607 (VCV002730607.4), dbSNP rs1868590280, ClinGen allele CA482136101.
Genomic context (GRCh38, chr12:114,674,261, plus strand): 5'-CAGGGTGGCCGCGGACGCCCCGGACAGTCCCTGCGCCGCAGCGGCAGAGGCCATGGCCGT[G>A]GAATCCAGGCCCGAGACACCGGTGGAGGCCCCAGAAACCGTGGCCAGGAGGGGACCCATG-3'
Protein context (NP_005987.3, residues 528-548): GASTGVSGLD[Ser538=]TAMASAAAAQ

ClinVar aggregate classification (germline): Likely benign. Review status: criteria provided, multiple submitters, no conflicts (2 of 4 stars). 2 submissions from 2 submitters: Likely benign (2). Last evaluated 2025-06-06.

Conditions:
TBX3-related disorder. Also called: TBX3-related condition.
Ulnar-mammary syndrome (UMS). Also called: SCHINZEL SYNDROME; Ulnar-mammary syndrome of Pallister; PALLISTER ULNAR-MAMMARY SYNDROME. Identifiers: Orphanet 3138, MedGen C1866994, MONDO:0008411, OMIM 181450.

Allele frequency attached by ClinVar (database versions not stated): gnomAD exomes below 0.00001; gnomAD 0.00002.
gnomAD v4.1: 7 of 1,579,072 alleles (0.00044%); highest among the groups gnomAD compares: South Asian, 0.0081%; no homozygotes.

Submissions (2):

PreventionGenetics, part of Exact Sciences
Classification: Likely benign for TBX3-related condition. Last evaluated: 2025-06-06. Review status: criteria provided, single submitter. Criteria: ACMG Guidelines, 2015. Collection method: clinical testing. Allele origin: germline.
Comment: This variant is classified as likely benign based on ACMG/AMP sequence variant interpretation guidelines (Richards et al. 2015 PMID: 25741868, with internal and published modifications).

Labcorp Genetics (formerly Invitae), Labcorp
Classification: Likely benign for Ulnar-mammary syndrome. Last evaluated: 2023-07-25. Review status: criteria provided, single submitter. Criteria: Invitae Variant Classification Sherloc (09022015). Collection method: clinical testing. Allele origin: germline.